The following is an entry in ClinVar:

ClinVar aggregate classification (germline): Uncertain significance (1 of 4 stars; one submission).

Conditions:
Cardiovascular phenotype. Identifiers: MedGen CN230736.

Allele frequency attached by ClinVar (database versions not stated): TOPMed below 0.00001; gnomAD exomes 0.00001.
gnomAD v4.1: 8 of 1,613,428 alleles (0.0005%); highest among the groups gnomAD compares: Non-Finnish European, 0.00068%; no homozygotes.

Submission:

Ambry Genetics
Classification: Uncertain significance for Cardiovascular phenotype. Last evaluated: 2023-04-18. Review status: criteria provided, single submitter. Criteria: Ambry Variant Classification Scheme 2023. Collection method: clinical testing. Allele origin: germline.
Comment: The p.L283H variant (also known as c.848T>A), located in coding exon 6 of the LMF1 gene, results from a T to A substitution at nucleotide position 848. The leucine at codon 283 is replaced by histidine, an amino acid with similar properties. This amino acid position is conserved. In addition, the in silico prediction for this alteration is inconclusive. Since supporting evidence is limited at this time, the clinical significance of this alteration remains unclear.

NM_022773.4(LMF1):c.848T>A (p.Leu283His)

Gene: LMF1 (lipase maturation factor 1; minus strand). Cytogenetic location: 16p13.3.
Variant type: single nucleotide variant.
Coding change: c.848T>A on transcript NM_022773.4 (MANE Select); coding-DNA position 848, T replaced by A.
Protein change: p.Leu283His; replaces leucine 283 with histidine.
Molecular consequence: missense variant. On other transcripts: non-coding transcript variant (1).
Genome position (GRCh38, 1-based): chr16:879,619, A>T on the plus strand (T>A on the coding strand, the complement: LMF1 is on the minus strand). VCF-style: chr16-879619-A-T. GRCh37 (hg19) VCF-style: chr16-929619-A-T.
Other names: c.197T>A, p.Leu66His (NM_001352017.2, NM_001352021.2); c.449T>A, p.Leu150His (NM_001352018.2); c.521T>A, p.Leu174His (NM_001352019.2); c.848T>A, p.Leu283His (NM_001352020.1); short protein forms L174H, L283H, L150H, L66H.
Identifiers: ClinVar variation 2566289 (VCV002566289.2), dbSNP rs1171510658, ClinGen allele CA394131540.